The following is an entry in ClinVar:

NM_024721.5(ZFHX4):c.3326-12T>A

Gene: ZFHX4 (zinc finger homeobox 4; plus strand). Cytogenetic location: 8q21.13.
Variant type: single nucleotide variant.
Coding change: c.3326-12T>A on transcript NM_024721.5 (MANE Select); 12 bases into the intron before coding-DNA position 3326, T replaced by A.
Molecular consequence: intron variant.
Genome position (GRCh38, 1-based): chr8:76,833,326, T>A. VCF-style: chr8-76833326-T-A. GRCh37 (hg19) VCF-style: chr8-77745562-T-A.
Other names: c.3248-12T>A (NM_001410934.1).
Identifiers: ClinVar variation 4681027 (VCV004681027.1).

ClinVar aggregate classification (germline): Uncertain significance (1 of 4 stars; one submission).

Submission:

GeneDx
Classification: Uncertain significance. Last evaluated: 2025-06-30. Review status: criteria provided, single submitter. Criteria: GeneDx Variant Classification Process June 2021. Collection method: clinical testing. Allele origin: germline. Affected: yes.
Comment: Not observed at significant frequency in large population cohorts (gnomAD); In silico analysis supports a deleterious effect on splicing; Has not been previously published as pathogenic or benign to our knowledge